The following is an entry in ClinVar:

ClinVar aggregate classification (germline): Likely pathogenic (1 of 4 stars; one submission).

Submission:

Quest Diagnostics Nichols Institute San Juan Capistrano
Classification: Likely pathogenic. Last evaluated: 2024-03-05. Review status: criteria provided, single submitter. Criteria: Quest Diagnostics criteria. Collection method: clinical testing. Allele origin: unknown.
Comment: The HBB c.363dup (p.Glu122Argfs*19) variant alters the translational reading frame of the HBB mRNA and is predicted to cause the premature termination of HBB protein synthesis. This variant has been reported in the published literature in a family showing mild thalassemic hematological markers and attempts to isolate the variant hemoglobin were not successful (PMID: 8652860 (1996)). This variant has not been reported in large, multi-ethnic general populations (Genome Aggregation Database). Based on the available information, this variant is classified as likely pathogenic.

Literature cited by the submitters: PubMed 8652860; PubMed 34167424; PubMed 34680508.

NM_000518.5(HBB):c.363dup (p.Glu122fs)

Genes: HBB (hemoglobin subunit beta; minus strand), LOC107133510 (origin of replication at HBB; plus strand), LOC110006319 (beta-globin gene 3' regulatory region; plus strand). Cytogenetic location: 11p15.4.
Variant type: Duplication.
Coding change: c.363dup on transcript NM_000518.5 (MANE Select); coding-DNA position 363, one base duplicated (A; older notation c.363dupA).
Protein change: p.Glu122fs; shifts the reading frame from glutamic acid 122.
Molecular consequence: frameshift variant.
Genome position (GRCh38, 1-based): chr11:5,225,679, T duplicated on the plus strand (A on the coding strand, the reverse complement: HBB is on the minus strand); the first of 3 consecutive T bases (chr11:5,225,679-5,225,681); duplicating any one gives the same sequence. VCF-style (leftmost placement, unchanged base first): chr11-5225678-C-CT. GRCh37 (hg19) VCF-style: chr11-5246908-C-CT.
Other names: short protein forms E122fs.
Identifiers: ClinVar variation 3572119 (VCV003572119.1).